The following is an entry in ClinVar:

NM_000516.7(GNAS):c.661dup (p.Met221fs)

Gene: GNAS (GNAS complex locus; plus strand). Cytogenetic location: 20q13.32.
Variant type: Duplication.
Coding change: c.661dup on transcript NM_000516.7 (MANE Select); coding-DNA position 661, one base duplicated (A; older notation c.661dupA).
Protein change: p.Met221fs; shifts the reading frame from methionine 221.
Molecular consequence: frameshift variant. On other transcripts: 3 prime UTR variant (2).
Genome position (GRCh38, 1-based): chr20:58,909,522, A duplicated. VCF-style (leftmost placement, unchanged base first): chr20-58909521-C-CA. GRCh37 (hg19) VCF-style: chr20-57484576-C-CA.
Other names: c.664dup, p.Met222fs (NM_001077488.5); c.616dup, p.Met206fs (NM_001077489.4); c.*522dup (NM_001077490.3); c.484dup, p.Met162fs (NM_001309840.2, NM_001309861.2); c.565dup, p.Met189fs (NM_001410912.1); c.2545dup, p.Met849fs (NM_001410913.1); c.*567dup (NM_016592.5); c.2590dup, p.Met864fs (NM_080425.4); and 1 more; short protein forms M162fs, M189fs, M206fs, M222fs, M864fs, M207fs, M849fs, M221fs.
Identifiers: ClinVar variation 2724385 (VCV002724385.3), dbSNP rs2517248473, ClinGen allele CA2697547435.

ClinVar aggregate classification (germline): Pathogenic (1 of 4 stars; one submission).

Submission:

Labcorp Genetics (formerly Invitae), Labcorp
Classification: Pathogenic. Last evaluated: 2023-06-22. Review status: criteria provided, single submitter. Criteria: Invitae Variant Classification Sherloc (09022015). Collection method: clinical testing. Allele origin: germline.
Comment: This sequence change creates a premature translational stop signal (p.Met221Asnfs*3) in the GNAS gene. It is expected to result in an absent or disrupted protein product. Loss-of-function variants in GNAS are known to be pathogenic (PMID: 11784876, 23281139, 23796510, 25802881). This variant is not present in population databases (gnomAD no frequency). This variant has not been reported in the literature in individuals affected with GNAS-related conditions. For these reasons, this variant has been classified as Pathogenic.

Literature cited by the submitters: PubMed 11784876; PubMed 23281139; PubMed 23796510; PubMed 25802881.